The following is an entry in ClinVar:

ClinVar aggregate classification (germline): Pathogenic (1 of 4 stars; one submission).

Submission:

Labcorp Genetics (formerly Invitae), Labcorp
Classification: Pathogenic. Last evaluated: 2021-02-01. Review status: criteria provided, single submitter. Criteria: Invitae Variant Classification Sherloc (09022015). Collection method: clinical testing. Allele origin: germline.
Comment: For these reasons, this variant has been classified as Pathogenic. Loss-of-function variants in RETREG1 are known to be pathogenic (PMID: 19838196). This variant has not been reported in the literature in individuals with RETREG1-related conditions. This variant is an out-of-frame deletion of the genomic region encompassing exon(s) 4 of the RETREG1 gene. This is expected to create a premature translational stop signal and result in an absent or disrupted protein product.

Literature cited by the submitters: PubMed 19838196.

NC_000005.9:g.(?_16483445)_(16483591_?)del

Gene: RETREG1 (reticulophagy regulator 1; minus strand). Cytogenetic location: 5p15.1.
Variant type: Deletion.
Identifiers: ClinVar variation 1072083 (VCV001072083.5).